The following is an entry in ClinVar:

ClinVar aggregate classification (germline): Conflicting classifications of pathogenicity. Review status: criteria provided, conflicting classifications (1 of 4 stars). 4 submissions from 4 submitters: Uncertain significance (3); Likely benign (1). Last evaluated 2023-12-22.

Conditions:
Hereditary cancer-predisposing syndrome. Also called: Hereditary neoplastic syndrome; Tumor predisposition; Hereditary Cancer Syndrome; Neoplastic Syndromes, Hereditary. Identifiers: Orphanet 140162, MedGen C0027672, MeSH D009386, MONDO:0015356.

Submissions (4):

Ambry Genetics
Classification: Uncertain significance for Hereditary cancer-predisposing syndrome. Last evaluated: 2023-12-22. Review status: criteria provided, single submitter. Criteria: Ambry Variant Classification Scheme 2023. Collection method: clinical testing. Allele origin: germline.
Comment: The p.P1257A variant (also known as c.3769C>G), located in coding exon 10 of the BRCA2 gene, results from a C to G substitution at nucleotide position 3769. The proline at codon 1257 is replaced by alanine, an amino acid with highly similar properties. This amino acid position is conserved. In addition, this alteration is predicted to be tolerated by in silico analysis. Since supporting evidence is limited at this time, the clinical significance of this alteration remains unclear.

University of Washington Department of Laboratory Medicine, University of Washington
Classification: Likely benign for Hereditary cancer-predisposing syndrome. Last evaluated: 2023-03-23. Review status: criteria provided, single submitter. Criteria: Dines et al. (Genet Med. 2020). Collection method: curation. Allele origin: germline.
Comment: Missense variant in a coldspot region where missense variants are very unlikely to be pathogenic (PMID:31911673).

BRCA2 exon 11 coldspot. Reclassification based on statistical prior probability.

Quest Diagnostics Nichols Institute San Juan Capistrano
Classification: Uncertain significance. Last evaluated: 2020-10-11. Review status: criteria provided, single submitter. Criteria: Quest Diagnostics criteria. Collection method: clinical testing. Allele origin: unknown.

Color Diagnostics, LLC DBA Color Health
Classification: Uncertain significance for Hereditary cancer-predisposing syndrome. Last evaluated: 2019-01-18. Review status: criteria provided, single submitter. Criteria: ACMG Guidelines, 2015. Collection method: clinical testing. Allele origin: germline.

NM_000059.4(BRCA2):c.3769C>G (p.Pro1257Ala)

Gene: BRCA2 (BRCA2 DNA repair associated; plus strand). Cytogenetic location: 13q13.1.
Variant type: single nucleotide variant.
Coding change: c.3769C>G on transcript NM_000059.4 (MANE Select); coding-DNA position 3769, C replaced by G.
Protein change: p.Pro1257Ala; replaces proline 1257 with alanine.
Molecular consequence: missense variant.
Genome position (GRCh38, 1-based): chr13:32,338,124, C>G. VCF-style: chr13-32338124-C-G. GRCh37 (hg19) VCF-style: chr13-32912261-C-G.
Other names: short protein forms P1257A.
Identifiers: ClinVar variation 491260 (VCV000491260.8), dbSNP rs1060502438, ClinGen allele CA387778253.
Genomic context (GRCh38, chr13:32,338,124, plus strand): 5'-GCTGTGAAACTGTTTAGTGATATTGAGAATATTAGTGAGGAAACTTCTGCAGAGGTACAT[C>G]CAATAAGTTTATCTTCAAGTAAATGTCATGATTCTGTTGTTTCAATGTTTAAGATAGAAA-3'
Protein context (NP_000050.3, residues 1247-1267): ISEETSAEVH[Pro1257Ala]ISLSSSKCHD